The following is an entry in ClinVar:

NM_022124.6(CDH23):c.2535C>T (p.Pro845=)

Gene: CDH23 (cadherin related 23; plus strand). Cytogenetic location: 10q22.1.
Variant type: single nucleotide variant.
Coding change: c.2535C>T on transcript NM_022124.6 (MANE Select); coding-DNA position 2535, C replaced by T.
Protein change: p.Pro845=; no amino-acid change (proline 845 retained).
Molecular consequence: synonymous variant.
Genome position (GRCh38, 1-based): chr10:71,702,159, C>T. VCF-style: chr10-71702159-C-T. GRCh37 (hg19) VCF-style: chr10-73461916-C-T.
Other names: c.2535C>T, p.Pro845= (NM_001171930.2, NM_001171931.2).
Identifiers: ClinVar variation 752306 (VCV000752306.11), dbSNP rs778363825, ClinGen allele CA5544241.

ClinVar aggregate classification (germline): Likely benign. Review status: criteria provided, multiple submitters, no conflicts (2 of 4 stars). 2 submissions from 2 submitters: Likely benign (2). Last evaluated 2025-08-16.

Conditions:
CDH23-related disorder. Also called: CDH23-related disorders; CDH23-related condition.

Allele frequency attached by ClinVar (database versions not stated): gnomAD 0.00001; gnomAD exomes 0.00001 and 0.00003; ExAC 0.00002; TOPMed 0.00008.
gnomAD v4.1: 23 of 1,613,786 alleles (0.0014%); highest among the groups gnomAD compares: Admixed American, 0.005%; no homozygotes.

Submissions (2):

PreventionGenetics, part of Exact Sciences
Classification: Likely benign for CDH23-related condition. Last evaluated: 2025-08-16. Review status: criteria provided, single submitter. Criteria: ACMG Guidelines, 2015. Collection method: clinical testing. Allele origin: germline.
Comment: This variant is classified as likely benign based on ACMG/AMP sequence variant interpretation guidelines (Richards et al. 2015 PMID: 25741868, with internal and published modifications).

Labcorp Genetics (formerly Invitae), Labcorp
Classification: Likely benign. Last evaluated: 2024-01-04. Review status: criteria provided, single submitter. Criteria: Invitae Variant Classification Sherloc (09022015). Collection method: clinical testing. Allele origin: germline.